The following is an entry in ClinVar:

ClinVar aggregate classification (germline): Uncertain significance (1 of 4 stars; one submission).

Conditions:
Familial adenomatous polyposis 1 (FAP1). Also called: FAMILIAL ADENOMATOUS POLYPOSIS 1, ATTENUATED; POLYPOSIS, ADENOMATOUS INTESTINAL. Identifiers: MedGen C2713442, MONDO:0021056, OMIM 175100. Disease mechanism: loss of function.

Submission:

Labcorp Genetics (formerly Invitae), Labcorp
Classification: Uncertain significance for Familial adenomatous polyposis 1. Last evaluated: 2018-12-21. Review status: criteria provided, single submitter. Criteria: Invitae Variant Classification Sherloc (09022015). Collection method: clinical testing. Allele origin: germline.
Comment: This sequence change replaces serine with arginine at codon 1973 of the APC protein (p.Ser1973Arg). The serine residue is highly conserved and there is a moderate physicochemical difference between serine and arginine. This variant is not present in population databases (ExAC no frequency). This variant has not been reported in the literature in individuals with APC-related conditions. Algorithms developed to predict the effect of missense changes on protein structure and function (SIFT, PolyPhen-2, Align-GVGD) all suggest that this variant is likely to be disruptive, but these predictions have not been confirmed by published functional studies and their clinical significance is uncertain. In summary, the available evidence is currently insufficient to determine the role of this variant in disease. Therefore, it has been classified as a Variant of Uncertain Significance.

NM_000038.6(APC):c.5919T>G (p.Ser1973Arg)

Gene: APC (APC regulator of Wnt signaling pathway; plus strand). Cytogenetic location: 5q22.2.
Variant type: single nucleotide variant.
Coding change: c.5919T>G on transcript NM_000038.6 (MANE Select); coding-DNA position 5919, T replaced by G.
Protein change: p.Ser1973Arg; replaces serine 1973 with arginine.
Molecular consequence: missense variant.
Genome position (GRCh38, 1-based): chr5:112,841,513, T>G. VCF-style: chr5-112841513-T-G. GRCh37 (hg19) VCF-style: chr5-112177210-T-G.
Other names: c.5919T>G, p.Ser1973Arg (NM_001127510.3, NM_001354895.2); c.5865T>G, p.Ser1955Arg (NM_001127511.3); c.5973T>G, p.Ser1991Arg (NM_001354896.2); c.5949T>G, p.Ser1983Arg (NM_001354897.2); c.5844T>G, p.Ser1948Arg (NM_001354898.2); c.5835T>G, p.Ser1945Arg (NM_001354899.2); c.5796T>G, p.Ser1932Arg (NM_001354900.2); c.5742T>G, p.Ser1914Arg (NM_001354901.2); and 5 more; short protein forms S1847R, S1983R, S1948R, S1872R, S1882R, S1945R, S1973R, S1991R.
Identifiers: ClinVar variation 650317 (VCV000650317.10), dbSNP rs1580665628, ClinGen allele CA16034279.
Genomic context (GRCh38, chr5:112,841,513, plus strand): 5'-TTTTGCTATTGAAAATACTCCGGTTTGCTTTTCTCATAATTCCTCTCTGAGTTCTCTCAG[T>G]GACATTGACCAAGAAAACAACAATAAAGAAAATGAACCTATCAAAGAGACTGAGCCCCCT-3'
Protein context (NP_000029.2, residues 1963-1983): FSHNSSLSSL[Ser1973Arg]DIDQENNNKE